The following is an entry in ClinVar:

NM_000059.4(BRCA2):c.7977A>G (p.Arg2659=)

Gene: BRCA2 (BRCA2 DNA repair associated; plus strand). Cytogenetic location: 13q13.1.
Variant type: single nucleotide variant.
Coding change: c.7977A>G on transcript NM_000059.4 (MANE Select); coding-DNA position 7977, A replaced by G.
Protein change: p.Arg2659=; no amino-acid change (arginine 2659 retained).
Molecular consequence: synonymous variant. On other transcripts: non-coding transcript variant (1).
Genome position (GRCh38, 1-based): chr13:32,363,179, A>G. VCF-style: chr13-32363179-A-G. GRCh37 (hg19) VCF-style: chr13-32937316-A-G.
Other names: c.7881A>G, p.Arg2627= (NM_001406719.1); c.7977A>G, p.Arg2659= (NM_001406720.1, NM_001432077.1); c.3045A>G, p.Arg1015= (NM_001406721.1); c.1560A>G, p.Arg520= (NM_001406722.1).
Identifiers: ClinVar variation 3572367 (VCV003572367.1).

ClinVar aggregate classification (germline): Uncertain significance (1 of 4 stars; one submission).

Submission:

Quest Diagnostics Nichols Institute San Juan Capistrano
Classification: Uncertain significance. Last evaluated: 2024-02-29. Review status: criteria provided, single submitter. Criteria: Quest Diagnostics criteria. Collection method: clinical testing. Allele origin: unknown.
Comment: The BRCA2 c.7977A>G (p.Arg2659=) synonymous variant has not been reported in individuals with BRCA2-related conditions in the published literature. The frequency of this variant in the general population, 0.000004 (1/249786 chromosomes (Genome Aggregation Database)), is uninformative in the assessment of its pathogenicity. Analysis of this variant using software algorithms for the prediction of the effect of nucleotide changes on BRCA2 mRNA splicing yielded predictions that this variant may result in the gain of a cryptic splice site without affecting the natural splice sites. Based on the available information, we are unable to determine the clinical significance of this variant.